The following is an entry in ClinVar:

ClinVar aggregate classification (germline): Likely benign. Review status: criteria provided, single submitter (1 of 4 stars). 2 submissions from 2 submitters: Likely benign (1). 1 of the submissions does not count toward it. Last evaluated 2023-12-16.

Conditions:
ASPM-related disorder. Also called: ASPM-related condition.

Allele frequency attached by ClinVar (database versions not stated): gnomAD exomes below 0.00001; TOPMed below 0.00001.
gnomAD v4.1: 1 of 1,612,554 alleles (0.000062%); highest among the groups gnomAD compares: Non-Finnish European, 0.000085%; no homozygotes.

Submissions (2):

Labcorp Genetics (formerly Invitae), Labcorp
Classification: Likely benign. Last evaluated: 2023-12-16. Review status: criteria provided, single submitter. Criteria: Invitae Variant Classification Sherloc (09022015). Collection method: clinical testing. Allele origin: germline.

PreventionGenetics, part of Exact Sciences
Classification: Likely benign for ASPM-related condition. Last evaluated: 2024-08-29. Review status: no assertion criteria provided. Collection method: clinical testing. Allele origin: germline. Not counted in ClinVar's aggregate classification.
Comment: This variant is classified as likely benign based on ACMG/AMP sequence variant interpretation guidelines (Richards et al. 2015 PMID: 25741868, with internal and published modifications).

NM_018136.5(ASPM):c.1983T>C (p.Ala661=)

Gene: ASPM (assembly factor for spindle microtubules; minus strand). Cytogenetic location: 1q31.3.
Variant type: single nucleotide variant.
Coding change: c.1983T>C on transcript NM_018136.5 (MANE Select); coding-DNA position 1983, T replaced by C.
Protein change: p.Ala661=; no amino-acid change (alanine 661 retained).
Molecular consequence: synonymous variant.
Genome position (GRCh38, 1-based): chr1:197,139,810, A>G on the plus strand (T>C on the coding strand, the complement: ASPM is on the minus strand). VCF-style: chr1-197139810-A-G. GRCh37 (hg19) VCF-style: chr1-197108940-A-G.
Other names: c.1983T>C (NM_018136.4); c.1983T>C, p.Ala661= (NM_001206846.2).
Identifiers: ClinVar variation 2872699 (VCV002872699.4), dbSNP rs1658528553, ClinGen allele CA422676947.